The following is an entry in ClinVar:

ClinVar aggregate classification (germline): Uncertain significance. Review status: criteria provided, multiple submitters, no conflicts (2 of 4 stars). 2 submissions from 2 submitters: Uncertain significance (2). Last evaluated 2024-06-10.

Conditions:
Pseudohypoaldosteronism type 2B (PHA2B). Also called: Pseudohypoaldosteronism Type IIB. Identifiers: Orphanet 757, Orphanet 88939, MedGen C1840390, MONDO:0013777, OMIM 614491.

gnomAD v4.1: 22 of 1,149,702 alleles (0.0019%); highest among the groups gnomAD compares: Non-Finnish European, 0.0024%; no homozygotes.

Submissions (2):

Fulgent Genetics
Classification: Uncertain significance for Pseudohypoaldosteronism type 2B. Last evaluated: 2024-06-10. Review status: criteria provided, single submitter. Criteria: ACMG Guidelines, 2015. Collection method: clinical testing. Allele origin: germline.

Labcorp Genetics (formerly Invitae), Labcorp
Classification: Uncertain significance. Last evaluated: 2022-07-19. Review status: criteria provided, single submitter. Criteria: Invitae Variant Classification Sherloc (09022015). Collection method: clinical testing. Allele origin: germline.
Comment: In summary, the available evidence is currently insufficient to determine the role of this variant in disease. Therefore, it has been classified as a Variant of Uncertain Significance. Advanced modeling of protein sequence and biophysical properties (such as structural, functional, and spatial information, amino acid conservation, physicochemical variation, residue mobility, and thermodynamic stability) performed at Invitae indicates that this missense variant is not expected to disrupt WNK4 protein function. This variant has not been reported in the literature in individuals affected with WNK4-related conditions. This variant is not present in population databases (gnomAD no frequency). This sequence change replaces isoleucine, which is neutral and non-polar, with valine, which is neutral and non-polar, at codon 846 of the WNK4 protein (p.Ile846Val).

NM_032387.5(WNK4):c.2536A>G (p.Ile846Val)

Gene: WNK4 (WNK lysine deficient protein kinase 4; plus strand). Cytogenetic location: 17q21.2.
Variant type: single nucleotide variant.
Coding change: c.2536A>G on transcript NM_032387.5 (MANE Select); coding-DNA position 2536, A replaced by G.
Protein change: p.Ile846Val; replaces isoleucine 846 with valine.
Molecular consequence: missense variant.
Genome position (GRCh38, 1-based): chr17:42,794,957, A>G. VCF-style: chr17-42794957-A-G. GRCh37 (hg19) VCF-style: chr17-40946975-A-G.
Other names: c.1528A>G, p.Ile510Val (NM_001321299.2); short protein forms I510V, I846V.
Identifiers: ClinVar variation 2045027 (VCV002045027.5), dbSNP rs552498857, ClinGen allele CA290790787.
Genomic context (GRCh38, chr17:42,794,957, plus strand): 5'-GGTCCCATCTTCCCCATCACTTCTCCCCCATGTCATCCCAGCCCCTCCCCATTCTCCCCC[A>G]TTTCTTCCCAGGTCTCCTCAAATCCCTCTCCACACCCCACCAGCTCTCCACTTCCATTCT-3'
Protein context (NP_115763.2, residues 836-856): CHPSPSPFSP[Ile846Val]SSQVSSNPSP